The following is an entry in ClinVar:

ClinVar aggregate classification (germline): Benign/Likely benign. Review status: criteria provided, multiple submitters, no conflicts (2 of 4 stars). 8 submissions from 8 submitters: Benign (3); Likely benign (2). 3 of the submissions do not count toward it. Last evaluated 2026-02-04.

Conditions:
GALC-related disorder. Also called: GALC-related condition.
Galactosylceramide beta-galactosidase deficiency. Also called: Leukodystrophy, Globoid Cell; GALACTOCEREBROSIDASE DEFICIENCY; GALC DEFICIENCY; GLOBOID CELL LEUKOENCEPHALOPATHY; Krabbe Disease. Identifiers: Orphanet 487, MedGen C0023521, MONDO:0009499, OMIM 245200.

Allele frequency attached by ClinVar (database versions not stated): ESP Exome Variant Server 0.00512; gnomAD 0.00674; TOPMed 0.00825; gnomAD exomes 0.00872; ExAC 0.00913; 1000 Genomes Project 30x 0.02092; 1000 Genomes Project 0.02117.
gnomAD v4.1: 8,270 of 1,598,544 alleles (0.52%); highest among the groups gnomAD compares: East Asian, 3.7%; 108 homozygotes.

Submissions (8):

Labcorp Genetics (formerly Invitae), Labcorp
Classification: Benign for Galactosylceramide beta-galactosidase deficiency. Last evaluated: 2026-02-04. Review status: criteria provided, single submitter. Criteria: Invitae Variant Classification Sherloc (09022015). Collection method: clinical testing. Allele origin: germline.

Fulgent Genetics
Classification: Likely benign for Galactosylceramide beta-galactosidase deficiency. Last evaluated: 2021-09-01. Review status: criteria provided, single submitter. Criteria: ACMG Guidelines, 2015. Collection method: clinical testing. Allele origin: unknown.

Illumina Laboratory Services, Illumina
Classification: Benign for Galactosylceramide beta-galactosidase deficiency. Last evaluated: 2018-01-12. Review status: criteria provided, single submitter. Criteria: ICSL Variant Classification Criteria 13 December 2019. Collection method: clinical testing. Allele origin: germline.
Comment: This variant was observed in the ICSL laboratory as part of a predisposition screen in an ostensibly healthy population. It had not been previously curated by ICSL or reported in the Human Gene Mutation Database (HGMD: prior to June 1st, 2018), and was therefore a candidate for classification through an automated scoring system. Utilizing variant allele frequency, disease prevalence and penetrance estimates, and inheritance mode, an automated score was calculated to assess if this variant is too frequent to cause the disease. Based on the score and internal cut-off values, a variant classified as benign is not then subjected to further curation. The score for this variant resulted in a classification of benign for this disease.

GeneDx
Classification: Benign. Last evaluated: 2017-08-10. Review status: criteria provided, single submitter. Criteria: GeneDx Variant Classification (06012015). Collection method: clinical testing. Allele origin: germline. Affected: yes.
Comment: This variant is considered likely benign or benign based on one or more of the following criteria: it is a conservative change, it occurs at a poorly conserved position in the protein, it is predicted to be benign by multiple in silico algorithms, and/or has population frequency not consistent with disease.

Breakthrough Genomics
Classification: Likely benign. Review status: criteria provided, single submitter. Criteria: ACMG Guidelines, 2015. Collection method: not provided. Allele origin: germline. Inheritance: Autosomal recessive inheritance. Affected: yes.

PreventionGenetics, part of Exact Sciences
Classification: Benign for GALC-related condition. Last evaluated: 2024-06-15. Review status: no assertion criteria provided. Collection method: clinical testing. Allele origin: germline. Not counted in ClinVar's aggregate classification.
Comment: This variant is classified as benign based on ACMG/AMP sequence variant interpretation guidelines (Richards et al. 2015 PMID: 25741868, with internal and published modifications).

Natera, Inc.
Classification: Benign for Galactosylceramide beta-galactosidase deficiency. Last evaluated: 2020-09-16. Review status: no assertion criteria provided. Collection method: clinical testing. Allele origin: germline. Not counted in ClinVar's aggregate classification.

Mayo Clinic Laboratories, Mayo Clinic
Classification: Likely benign. Last evaluated: 2017-05-16. Review status: no assertion criteria provided. Collection method: clinical testing. Allele origin: unknown. Not counted in ClinVar's aggregate classification.

NM_000153.4(GALC):c.1302C>T (p.Ser434=)

Gene: GALC (galactosylceramidase; minus strand). Cytogenetic location: 14q31.3.
Variant type: single nucleotide variant.
Coding change: c.1302C>T on transcript NM_000153.4 (MANE Select); coding-DNA position 1302, C replaced by T.
Protein change: p.Ser434=; no amino-acid change (serine 434 retained).
Molecular consequence: synonymous variant.
Genome position (GRCh38, 1-based): chr14:87,949,881, G>A on the plus strand (C>T on the coding strand, the complement: GALC is on the minus strand). VCF-style: chr14-87949881-G-A. GRCh37 (hg19) VCF-style: chr14-88416225-G-A.
Other names: c.1233C>T, p.Ser411= (NM_001201401.2); c.1224C>T, p.Ser408= (NM_001201402.2).
Identifiers: ClinVar variation 255370 (VCV000255370.23), dbSNP rs3213918, ClinGen allele CA7297058.